The following is an entry in ClinVar:

NM_001728.4(BSG):c.76G>T (p.Val26Phe)

Gene: BSG (basigin (Ok blood group); plus strand). Cytogenetic location: 19p13.3.
Variant type: single nucleotide variant.
Coding change: c.76G>T on transcript NM_001728.4 (MANE Select); coding-DNA position 76, G replaced by T.
Protein change: p.Val26Phe; replaces valine 26 with phenylalanine.
Molecular consequence: missense variant. On other transcripts: intron variant (4).
Genome position (GRCh38, 1-based): chr19:577,782, G>T. VCF-style: chr19-577782-G-T. GRCh37 (hg19) VCF-style: chr19-577782-G-T.
Other names: NC_000019.9:g.577782G>T; c.-212-1718G>T (NM_198590.3); c.-55-2597G>T (NM_198591.4); c.68-1718G>T (NM_198589.3, NM_001322243.2); short protein forms V26F.
Identifiers: ClinVar variation 3042170 (VCV003042170.3), dbSNP rs144824657, ClinGen allele CA9017530.

ClinVar aggregate classification (germline): Benign (0 of 4 stars; one submission).

Conditions:
BSG-related disorder. Also called: BSG-related condition.

Allele frequency attached by ClinVar (database versions not stated): 1000 Genomes Project 0.00280; 1000 Genomes Project 30x 0.00328; ESP Exome Variant Server 0.00505; ExAC 0.01204.
gnomAD v4.1: 10,786 of 1,417,762 alleles (0.76%); highest among the groups gnomAD compares: Non-Finnish European, 0.9%; 59 homozygotes.

Submissions (18):

PreventionGenetics, part of Exact Sciences
Classification: Benign for BSG-related condition. Last evaluated: 2024-02-02. Review status: no assertion criteria provided. Collection method: clinical testing. Allele origin: germline.
Comment: This variant is classified as benign based on ACMG/AMP sequence variant interpretation guidelines (Richards et al. 2015 PMID: 25741868, with internal and published modifications).

Dr. Peter K. Rogan Lab, Western University
No classification provided (evidence only). Condition: Papillary renal cell carcinoma type 1. Review status: no classification provided. Collection method: in vitro. Allele origin: not applicable. Functional consequence: retained intron. Not counted in ClinVar's aggregate classification.

Dr. Peter K. Rogan Lab, Western University
No classification provided (evidence only). Condition: Papillary renal cell carcinoma type 1. Review status: no classification provided. Collection method: in vitro. Allele origin: not applicable. Functional consequence: retained intron. Not counted in ClinVar's aggregate classification.

Dr. Peter K. Rogan Lab, Western University
No classification provided (evidence only). Condition: Papillary renal cell carcinoma type 1. Review status: no classification provided. Collection method: in vitro. Allele origin: not applicable. Functional consequence: retained intron. Not counted in ClinVar's aggregate classification.

Dr. Peter K. Rogan Lab, Western University
No classification provided (evidence only). Condition: Lung cancer. Review status: no classification provided. Collection method: in vitro. Allele origin: not applicable. Functional consequence: skipped exon, retained intron. Not counted in ClinVar's aggregate classification.

Dr. Peter K. Rogan Lab, Western University
No classification provided (evidence only). Condition: Acute myeloid leukemia. Review status: no classification provided. Collection method: in vitro. Allele origin: not applicable. Functional consequence: retained intron. Not counted in ClinVar's aggregate classification.

Dr. Peter K. Rogan Lab, Western University
No classification provided (evidence only). Condition: Uterine corpus endometrial carcinoma. Review status: no classification provided. Collection method: in vitro. Allele origin: not applicable. Functional consequence: retained intron. Not counted in ClinVar's aggregate classification.

Dr. Peter K. Rogan Lab, Western University
No classification provided (evidence only). Condition: Cervical cancer. Review status: no classification provided. Collection method: in vitro. Allele origin: not applicable. Functional consequence: retained intron. Not counted in ClinVar's aggregate classification.

Dr. Peter K. Rogan Lab, Western University
No classification provided (evidence only). Condition: Sarcoma. Review status: no classification provided. Collection method: in vitro. Allele origin: not applicable. Functional consequence: retained intron. Not counted in ClinVar's aggregate classification.

Dr. Peter K. Rogan Lab, Western University
No classification provided (evidence only). Condition: Malignant lymphoma, large B-cell, diffuse. Review status: no classification provided. Collection method: in vitro. Allele origin: not applicable. Functional consequence: retained intron. Not counted in ClinVar's aggregate classification.

Dr. Peter K. Rogan Lab, Western University
No classification provided (evidence only). Condition: Cholangiocarcinoma. Review status: no classification provided. Collection method: in vitro. Allele origin: not applicable. Functional consequence: retained intron. Not counted in ClinVar's aggregate classification.

Dr. Peter K. Rogan Lab, Western University
No classification provided (evidence only). Condition: Ovarian serous cystadenocarcinoma. Review status: no classification provided. Collection method: in vitro. Allele origin: not applicable. Functional consequence: retained intron. Not counted in ClinVar's aggregate classification.

Dr. Peter K. Rogan Lab, Western University
No classification provided (evidence only). Condition: Ovarian serous cystadenocarcinoma. Review status: no classification provided. Collection method: in vitro. Allele origin: not applicable. Functional consequence: retained intron. Not counted in ClinVar's aggregate classification.

Dr. Peter K. Rogan Lab, Western University
No classification provided (evidence only). Condition: Ovarian serous cystadenocarcinoma. Review status: no classification provided. Collection method: in vitro. Allele origin: not applicable. Functional consequence: skipped exon, retained intron. Not counted in ClinVar's aggregate classification.

Dr. Peter K. Rogan Lab, Western University
No classification provided (evidence only). Condition: Adrenocortical carcinoma, hereditary. Review status: no classification provided. Collection method: in vitro. Allele origin: not applicable. Functional consequence: retained intron. Not counted in ClinVar's aggregate classification.

Dr. Peter K. Rogan Lab, Western University
No classification provided (evidence only). Condition: Adrenocortical carcinoma, hereditary. Review status: no classification provided. Collection method: in vitro. Allele origin: not applicable. Functional consequence: retained intron. Not counted in ClinVar's aggregate classification.

Dr. Peter K. Rogan Lab, Western University
No classification provided (evidence only). Condition: Malignant tumor of esophagus. Review status: no classification provided. Collection method: in vitro. Allele origin: not applicable. Functional consequence: skipped exon, retained intron. Not counted in ClinVar's aggregate classification.

Dr. Peter K. Rogan Lab, Western University
No classification provided (evidence only). Condition: Malignant tumor of esophagus. Review status: no classification provided. Collection method: in vitro. Allele origin: not applicable. Functional consequence: retained intron. Not counted in ClinVar's aggregate classification.